The following is an entry in ClinVar:

ClinVar aggregate classification (germline): Uncertain significance (1 of 4 stars; one submission).

gnomAD v4.1: 2 of 1,209,627 alleles (0.00017%); highest among the groups gnomAD compares: Non-Finnish European, 0.00022%; no homozygotes.

Submissions (2):

GeneDx
Classification: Uncertain significance. Last evaluated: 2025-07-14. Review status: criteria provided, single submitter. Criteria: GeneDx Variant Classification Process June 2021. Collection method: clinical testing. Allele origin: germline. Affected: yes.
Comment: Not observed at significant frequency in large population cohorts (gnomAD); In silico analysis suggests that this missense variant does not alter protein structure/function; Has not been previously published as pathogenic or benign to our knowledge

Dr. Peter K. Rogan Lab, Western University
No classification provided (evidence only). Condition: Thyroid cancer, nonmedullary, 1. Review status: no classification provided. Collection method: in vitro. Allele origin: not applicable. Functional consequence: retained intron. Not counted in ClinVar's aggregate classification.

NM_001079872.2(CUL4B):c.341C>T (p.Ala114Val)

Genes: CUL4B (cullin 4B; minus strand), LOC113845788 (Sharpr-MPRA regulatory region 11856; plus strand). Cytogenetic location: Xq24.
Variant type: single nucleotide variant.
Coding change: c.341C>T on transcript NM_001079872.2 (MANE Select); coding-DNA position 341, C replaced by T.
Protein change: p.Ala114Val; replaces alanine 114 with valine.
Molecular consequence: missense variant.
Genome position (GRCh38, 1-based): chrX:120,560,298, G>A on the plus strand (C>T on the coding strand, the complement: CUL4B is on the minus strand). VCF-style: chrX-120560298-G-A. GRCh37 (hg19) VCF-style: chrX-119694153-G-A.
Other names: NC_000023.10:g.119694153G>A; c.356C>T, p.Ala119Val (NM_001330624.2); c.395C>T, p.Ala132Val (NM_003588.4); c.395C>T (NM_003588.3); short protein forms A114V, A132V, A119V.
Identifiers: ClinVar variation 4467970 (VCV004467970.2).